The following is an entry in ClinVar:

ClinVar aggregate classification (germline): Uncertain significance (1 of 4 stars; one submission).

Conditions:
Hereditary cancer-predisposing syndrome. Also called: Tumor predisposition; Hereditary Cancer Syndrome; Hereditary neoplastic syndrome; Neoplastic Syndromes, Hereditary. Identifiers: Orphanet 140162, MedGen C0027672, MeSH D009386, MONDO:0015356.

Submission:

Labcorp Genetics (formerly Invitae), Labcorp
Classification: Uncertain significance for Hereditary cancer-predisposing syndrome. Last evaluated: 2022-10-25. Review status: criteria provided, single submitter. Criteria: Invitae Variant Classification Sherloc (09022015). Collection method: clinical testing. Allele origin: germline.
Comment: In summary, the available evidence is currently insufficient to determine the role of this variant in disease. Therefore, it has been classified as a Variant of Uncertain Significance. Advanced modeling of protein sequence and biophysical properties (such as structural, functional, and spatial information, amino acid conservation, physicochemical variation, residue mobility, and thermodynamic stability) performed at Invitae indicates that this missense variant is expected to disrupt RAD50 protein function. This variant has not been reported in the literature in individuals affected with RAD50-related conditions. This variant is not present in population databases (gnomAD no frequency). This sequence change replaces leucine, which is neutral and non-polar, with isoleucine, which is neutral and non-polar, at codon 144 of the RAD50 protein (p.Leu144Ile).

NM_005732.4(RAD50):c.430C>A (p.Leu144Ile)

Gene: RAD50 (RAD50 double strand break repair protein; plus strand). Cytogenetic location: 5q31.1.
Variant type: single nucleotide variant.
Coding change: c.430C>A on transcript NM_005732.4 (MANE Select); coding-DNA position 430, C replaced by A.
Protein change: p.Leu144Ile; replaces leucine 144 with isoleucine.
Molecular consequence: missense variant.
Genome position (GRCh38, 1-based): chr5:132,579,381, C>A. VCF-style: chr5-132579381-C-A. GRCh37 (hg19) VCF-style: chr5-131915073-C-A.
Other names: short protein forms L144I.
Identifiers: ClinVar variation 2809265 (VCV002809265.3), dbSNP rs1580987196, ClinGen allele CA360933896.